The following is an entry in ClinVar:

NM_001122769.3(LCA5):c.1335G>A (p.Met445Ile)

Gene: LCA5 (lebercilin LCA5; minus strand). Cytogenetic location: 6q14.1.
Variant type: single nucleotide variant.
Coding change: c.1335G>A on transcript NM_001122769.3 (MANE Select); coding-DNA position 1335, G replaced by A.
Protein change: p.Met445Ile; replaces methionine 445 with isoleucine.
Molecular consequence: missense variant.
Genome position (GRCh38, 1-based): chr6:79,487,763, C>T on the plus strand (G>A on the coding strand, the complement: LCA5 is on the minus strand). VCF-style: chr6-79487763-C-T. GRCh37 (hg19) VCF-style: chr6-80197480-C-T.
Other names: c.1335G>A, p.Met445Ile (NM_181714.4); short protein forms M445I.
Identifiers: ClinVar variation 2067343 (VCV002067343.1), dbSNP rs768737538, ClinGen allele CA364641129.

ClinVar aggregate classification (germline): Uncertain significance (1 of 4 stars; one submission).

Allele frequency attached by ClinVar (database versions not stated): TOPMed below 0.00001; gnomAD 0.00001.
gnomAD v4.1: 4 of 1,613,522 alleles (0.00025%); highest among the groups gnomAD compares: African/African-American, 0.0013%; no homozygotes.

Submission:

Labcorp Genetics (formerly Invitae), Labcorp
Classification: Uncertain significance. Last evaluated: 2022-07-06. Review status: criteria provided, single submitter. Criteria: Invitae Variant Classification Sherloc (09022015). Collection method: clinical testing. Allele origin: germline.
Comment: This sequence change replaces methionine, which is neutral and non-polar, with isoleucine, which is neutral and non-polar, at codon 445 of the LCA5 protein (p.Met445Ile). This variant is present in population databases (no rsID available, gnomAD 0.0009%). This variant has not been reported in the literature in individuals affected with LCA5-related conditions. Algorithms developed to predict the effect of missense changes on protein structure and function output the following: SIFT: "Tolerated"; PolyPhen-2: "Benign"; Align-GVGD: "Class C0". The isoleucine amino acid residue is found in multiple mammalian species, which suggests that this missense change does not adversely affect protein function. In summary, the available evidence is currently insufficient to determine the role of this variant in disease. Therefore, it has been classified as a Variant of Uncertain Significance.